The following is an entry in ClinVar:

NM_007294.4(BRCA1):c.3511A>G (p.Lys1171Glu)

Genes: BRCA1 (BRCA1 DNA repair associated; minus strand), LOC126862571 (BRD4-independent group 4 enhancer GRCh37_chr17:41243136-41244335; plus strand). Cytogenetic location: 17q21.31.
Variant type: single nucleotide variant.
Coding change: c.3511A>G on transcript NM_007294.4 (MANE Select); coding-DNA position 3511, A replaced by G.
Protein change: p.Lys1171Glu; replaces lysine 1171 with glutamic acid.
Molecular consequence: missense variant. On other transcripts: intron variant (135).
Genome position (GRCh38, 1-based): chr17:43,092,020, T>C on the plus strand (A>G on the coding strand, the complement: BRCA1 is on the minus strand). VCF-style: chr17-43092020-T-C. GRCh37 (hg19) VCF-style: chr17-41244037-T-C.
Other names: c.665-988A>G (NM_001408436.1, NM_001408444.1, NM_001408438.1 and 12 more transcripts); c.788-988A>G (NM_001407980.1, NM_001407993.1, NM_001407976.1 and 17 more transcripts); c.653-988A>G (NM_001408451.1); c.644-988A>G (NM_001408464.1, NM_001408468.1, NM_001408465.1 and 3 more transcripts); c.524-988A>G (NM_001408498.1, NM_001408501.1, NM_001408500.1 and 3 more transcripts); c.647-988A>G (NM_001408467.1, NM_001408459.1, NM_001408455.1 and 11 more transcripts); c.584-988A>G (NM_001408475.1); c.710-988A>G (NM_001408412.1, NM_001408409.1, NM_001408414.1 and 2 more transcripts); and 41 more; short protein forms K1171E, K1124E, K1044E, K1144E, K1168E, K1060E, K1101E, K1104E.
Identifiers: ClinVar variation 441353 (VCV000441353.19), dbSNP rs730882164, ClinGen allele CA10594950.

ClinVar aggregate classification (germline): Conflicting classifications of pathogenicity. Review status: criteria provided, conflicting classifications (1 of 4 stars). 4 submissions from 4 submitters: Uncertain significance (2); Likely benign (2). Last evaluated 2026-01-29.

Conditions:
Hereditary breast ovarian cancer syndrome. Also called: Hereditary breast and ovarian cancer syndrome (HBOC); BRCA1- and BRCA2-Associated Hereditary Breast and Ovarian Cancer; Hereditary breast and/or ovarian cancer syndrome; Hereditary breast and ovarian cancer syndrome; Hereditary breast and ovarian cancer; Breast and ovarian cancer. Identifiers: Orphanet 145, MedGen C0677776, MeSH D061325, MONDO:0003582. Disease mechanism: loss of function.
Hereditary cancer-predisposing syndrome. Also called: Neoplastic Syndromes, Hereditary; Hereditary neoplastic syndrome; Tumor predisposition; Hereditary Cancer Syndrome. Identifiers: Orphanet 140162, MedGen C0027672, MeSH D009386, MONDO:0015356.
Breast-ovarian cancer, familial, susceptibility to, 1 (BROVCA1). Also called: BRCA1 Hereditary Breast and Ovarian Cancer; OVARIAN CANCER, SUSCEPTIBILITY TO. Identifiers: Orphanet 145, MedGen C2676676, MONDO:0011450, OMIM 604370. Disease mechanism: loss of function.

Submissions (4):

Myriad Genetics, Inc.
Classification: Likely benign for Breast-ovarian cancer, familial, susceptibility to, 1. Last evaluated: 2026-01-29. Review status: criteria provided, single submitter. Criteria: Myriad Autosomal Dominant, Autosomal Recessive and X-Linked Classification Criteria (2023). Collection method: clinical testing. Allele origin: unknown.
Comment: This variant is considered likely benign. This variant is strongly associated with less severe personal and family histories of cancer, typical for individuals without pathogenic variants in this gene [PMID: 25085752].

Labcorp Genetics (formerly Invitae), Labcorp
Classification: Uncertain significance for Hereditary breast ovarian cancer syndrome. Last evaluated: 2024-01-21. Review status: criteria provided, single submitter. Criteria: Invitae Variant Classification Sherloc (09022015). Collection method: clinical testing. Allele origin: germline.
Comment: This sequence change replaces lysine, which is basic and polar, with glutamic acid, which is acidic and polar, at codon 1171 of the BRCA1 protein (p.Lys1171Glu). This variant is not present in population databases (gnomAD no frequency). This variant has not been reported in the literature in individuals affected with BRCA1-related conditions. ClinVar contains an entry for this variant (Variation ID: 441353). Advanced modeling of protein sequence and biophysical properties (such as structural, functional, and spatial information, amino acid conservation, physicochemical variation, residue mobility, and thermodynamic stability) performed at Invitae indicates that this missense variant is not expected to disrupt BRCA1 protein function with a negative predictive value of 95%. In summary, the available evidence is currently insufficient to determine the role of this variant in disease. Therefore, it has been classified as a Variant of Uncertain Significance.

University of Washington Department of Laboratory Medicine, University of Washington
Classification: Likely benign for Hereditary cancer-predisposing syndrome. Last evaluated: 2023-03-23. Review status: criteria provided, single submitter. Criteria: Dines et al. (Genet Med. 2020). Collection method: curation. Allele origin: germline.
Comment: Missense variant in a coldspot region where missense variants are very unlikely to be pathogenic (PMID:31911673).

BRCA1 coldspot (exon 11 using historical exon numbering). Reclassification based on statistical prior probability

Ambry Genetics
Classification: Uncertain significance for Hereditary cancer-predisposing syndrome. Last evaluated: 2018-07-24. Review status: criteria provided, single submitter. Criteria: Ambry Variant Classification Scheme 2023. Collection method: clinical testing. Allele origin: germline.
Comment: The p.K1171E variant (also known as c.3511A>G), located in coding exon 9 of the BRCA1 gene, results from an A to G substitution at nucleotide position 3511. The lysine at codon 1171 is replaced by glutamic acid, an amino acid with similar properties. This amino acid position is not well conserved in available vertebrate species. In addition, the in silico prediction for this alteration is inconclusive. Since supporting evidence is limited at this time, the clinical significance of this alteration remains unclear.

Literature cited by the submitters: PubMed 25085752 (cited by Myriad Genetics, Inc.).